The following is an entry in ClinVar:

ClinVar aggregate classification (germline): Uncertain significance. Review status: criteria provided, multiple submitters, no conflicts (2 of 4 stars). 2 submissions from 2 submitters: Uncertain significance (2). Last evaluated 2022-06-25.

Conditions:
Charcot-Marie-Tooth disease type 2. Also called: Charcot-Marie-Tooth type 2. Identifiers: Orphanet 64746, MedGen C0270914, MONDO:0018993.
Charcot-Marie-Tooth disease. Also called: Charcot-Marie-Tooth Neuropathy; Charcot-Marie-Tooth Hereditary Neuropathy. Identifiers: Orphanet 166, MedGen C0007959, MONDO:0015626.

Allele frequency attached by ClinVar (database versions not stated): ExAC 0.00010; gnomAD 0.00004 and 0.00003; TOPMed 0.00007.
gnomAD v4.1: 49 of 1,588,624 alleles (0.0031%); highest among the groups gnomAD compares: Middle Eastern, 0.035%; no homozygotes.

Submissions (2):

Labcorp Genetics (formerly Invitae), Labcorp
Classification: Uncertain significance for Charcot-Marie-Tooth disease type 2. Last evaluated: 2022-06-25. Review status: criteria provided, single submitter. Criteria: Invitae Variant Classification Sherloc (09022015). Collection method: clinical testing. Allele origin: germline.
Comment: This sequence change replaces valine, which is neutral and non-polar, with leucine, which is neutral and non-polar, at codon 2 of the MED25 protein (p.Val2Leu). This variant is present in population databases (rs780512266, gnomAD 0.04%). This variant has not been reported in the literature in individuals affected with MED25-related conditions. ClinVar contains an entry for this variant (Variation ID: 476805). Algorithms developed to predict the effect of missense changes on protein structure and function are either unavailable or do not agree on the potential impact of this missense change (SIFT: "Deleterious"; PolyPhen-2: "Possibly Damaging"; Align-GVGD: "Class C0"). In summary, the available evidence is currently insufficient to determine the role of this variant in disease. Therefore, it has been classified as a Variant of Uncertain Significance.

Molecular Genetics Laboratory, London Health Sciences Centre
Classification: Uncertain significance for Charcot-Marie-Tooth disease. Review status: criteria provided, single submitter. Criteria: ACMG Guidelines, 2015. Collection method: clinical testing. Allele origin: germline. Affected: yes.

NM_030973.4(MED25):c.4G>C (p.Val2Leu)

Gene: MED25 (mediator complex subunit 25; plus strand). Cytogenetic location: 19q13.33.
Variant type: single nucleotide variant.
Coding change: c.4G>C on transcript NM_030973.4 (MANE Select); coding-DNA position 4, G replaced by C.
Protein change: p.Val2Leu; replaces valine 2 with leucine.
Molecular consequence: missense variant.
Genome position (GRCh38, 1-based): chr19:49,818,345, G>C. VCF-style: chr19-49818345-G-C. GRCh37 (hg19) VCF-style: chr19-50321602-G-C.
Other names: c.4G>C, p.Val2Leu (NM_001378355.1); short protein forms V2L.
Identifiers: ClinVar variation 476805 (VCV000476805.5), dbSNP rs780512266, ClinGen allele CA9584670.